The following is an entry in ClinVar:

ClinVar aggregate classification (germline): Likely benign (0 of 4 stars; one submission).

Conditions:
CDH4-related disorder. Also called: CDH4-related condition.

Allele frequency attached by ClinVar (database versions not stated): gnomAD 0.00001; TOPMed 0.00001; gnomAD exomes 0.00004; ExAC 0.00005.
gnomAD v4.1: 65 of 1,607,230 alleles (0.004%); highest among the groups gnomAD compares: Non-Finnish European, 0.0049%; no homozygotes.

Submission:

PreventionGenetics, part of Exact Sciences
Classification: Likely benign for CDH4-related condition. Last evaluated: 2019-08-14. Review status: no assertion criteria provided. Collection method: clinical testing. Allele origin: germline.
Comment: This variant is classified as likely benign based on ACMG/AMP sequence variant interpretation guidelines (Richards et al. 2015 PMID: 25741868, with internal and published modifications).

NM_001794.5(CDH4):c.2679C>T (p.Tyr893=)

Gene: CDH4 (cadherin 4; plus strand). Cytogenetic location: 20q13.33.
Variant type: single nucleotide variant.
Coding change: c.2679C>T on transcript NM_001794.5 (MANE Select); coding-DNA position 2679, C replaced by T.
Protein change: p.Tyr893=; no amino-acid change (tyrosine 893 retained).
Molecular consequence: synonymous variant.
Genome position (GRCh38, 1-based): chr20:61,936,871, C>T. VCF-style: chr20-61936871-C-T. GRCh37 (hg19) VCF-style: chr20-60511929-C-T.
Other names: c.2568C>T, p.Tyr856= (NM_001252338.2); c.2457C>T, p.Tyr819= (NM_001252339.3).
Identifiers: ClinVar variation 3053165 (VCV003053165.2), dbSNP rs775498402, ClinGen allele CA9935234.